The following is an entry in ClinVar:

NM_007348.4(ATF6):c.425T>C (p.Leu142Pro)

Gene: ATF6 (activating transcription factor 6; plus strand). Cytogenetic location: 1q23.3.
Variant type: single nucleotide variant.
Coding change: c.425T>C on transcript NM_007348.4 (MANE Select); coding-DNA position 425, T replaced by C.
Protein change: p.Leu142Pro; replaces leucine 142 with proline.
Molecular consequence: missense variant.
Genome position (GRCh38, 1-based): chr1:161,791,478, T>C. VCF-style: chr1-161791478-T-C. GRCh37 (hg19) VCF-style: chr1-161761268-T-C.
Other names: short protein forms L142P.
Identifiers: ClinVar variation 970100 (VCV000970100.5), dbSNP rs147573850, ClinGen allele CA1214199.

ClinVar aggregate classification (germline): Conflicting classifications of pathogenicity. Review status: criteria provided, conflicting classifications (1 of 4 stars). 2 submissions from 2 submitters: Uncertain significance (1); Likely benign (1). Last evaluated 2025-10-30.

Conditions:
Inborn genetic diseases. Identifiers: MedGen C0950123, MeSH D030342.

Allele frequency attached by ClinVar (database versions not stated): ExAC 0.00001; gnomAD 0.00001; gnomAD exomes 0.00001 and below 0.00001; TOPMed 0.00002; ESP Exome Variant Server 0.00015.
gnomAD v4.1: 5 of 1,612,914 alleles (0.00031%); highest among the groups gnomAD compares: Non-Finnish European, 0.00042%; no homozygotes.

Submissions (2):

Ambry Genetics
Classification: Likely benign for Inborn genetic diseases. Last evaluated: 2025-10-30. Review status: criteria provided, single submitter. Criteria: Ambry Variant Classification Scheme 2023. Collection method: clinical testing. Allele origin: germline.

Labcorp Genetics (formerly Invitae), Labcorp
Classification: Uncertain significance. Last evaluated: 2022-07-25. Review status: criteria provided, single submitter. Criteria: Invitae Variant Classification Sherloc (09022015). Collection method: clinical testing. Allele origin: germline.
Comment: This sequence change replaces leucine, which is neutral and non-polar, with proline, which is neutral and non-polar, at codon 142 of the ATF6 protein (p.Leu142Pro). This variant is present in population databases (rs147573850, gnomAD 0.002%). This variant has not been reported in the literature in individuals affected with ATF6-related conditions. ClinVar contains an entry for this variant (Variation ID: 970100). Algorithms developed to predict the effect of missense changes on protein structure and function output the following: SIFT: "Tolerated"; PolyPhen-2: "Benign"; Align-GVGD: "Class C0". The proline amino acid residue is found in multiple mammalian species, which suggests that this missense change does not adversely affect protein function. In summary, the available evidence is currently insufficient to determine the role of this variant in disease. Therefore, it has been classified as a Variant of Uncertain Significance.